The following is an entry in ClinVar:

ClinVar aggregate classification (germline): Uncertain significance (1 of 4 stars; one submission).

Conditions:
Malignant hyperthermia, susceptibility to, 1 (MHS1). Also called: Anesthesia related hyperthermia; Malignant hyperpyrexia; Fulminating hyperpyrexia; Pharmacogenic myopathy; RYR1-Related Malignant Hyperthermia Susceptibility; Malignant hyperthermia suceptibility 1. Identifiers: Orphanet 423, MedGen C2930980, MONDO:0007783, OMIM 145600.

Allele frequency attached by ClinVar (database versions not stated): TOPMed below 0.00001.
gnomAD v4.1: 2 of 1,608,422 alleles (0.00012%); highest among the groups gnomAD compares: Non-Finnish European, 0.00017%; no homozygotes.

Submission:

All of Us Research Program, National Institutes of Health
Classification: Uncertain significance for Malignant hyperthermia, susceptibility to, 1. Last evaluated: 2023-08-15. Review status: criteria provided, single submitter. Criteria: ACMG Guidelines, 2015. Collection method: clinical testing. Allele origin: germline. Inheritance: Autosomal dominant inheritance. Observed: 1 variant allele, 1 heterozygote.
Comment: This missense variant replaces glycine with glutamic acid at codon 3681 of the RYR1 protein. Computational prediction suggests that this variant may not impact protein structure and function (internally defined REVEL score threshold <= 0.5, PMID: 27666373). To our knowledge, functional studies have not been reported for this variant. This variant has not been reported in individuals affected with RYR1-related disorders in the literature. This variant has not been identified in the general population by the Genome Aggregation Database (gnomAD). The available evidence is insufficient to determine the role of this variant in disease conclusively. Therefore, this variant is classified as a Variant of Uncertain Significance.

This study involves interpretation of variants in research participants for the purpose of population health screening. Participant phenotype was not available at the time of variant classification. Additional details can be found in publication PMID: 35346344, PMCID: PMC8962531

NM_000540.3(RYR1):c.11042G>A (p.Gly3681Glu)

Gene: RYR1 (ryanodine receptor 1; plus strand). Cytogenetic location: 19q13.2.
Variant type: single nucleotide variant.
Coding change: c.11042G>A on transcript NM_000540.3 (MANE Select); coding-DNA position 11042, G replaced by A.
Protein change: p.Gly3681Glu; replaces glycine 3681 with glutamic acid.
Molecular consequence: missense variant.
Genome position (GRCh38, 1-based): chr19:38,528,958, G>A. VCF-style: chr19-38528958-G-A. GRCh37 (hg19) VCF-style: chr19-39019598-G-A.
Other names: c.11027G>A, p.Gly3676Glu (NM_001042723.2); short protein forms G3676E, G3681E.
Identifiers: ClinVar variation 3072688 (VCV003072688.1), dbSNP rs1971608779, ClinGen allele CA405649933.
Genomic context (GRCh38, chr19:38,528,958, plus strand): 5'-TGACAGGAGGGGACTCTAGAAACCCTCTCCCCAAGTCTCCCCTCTCCCACCAGAAAGCTG[G>A]GGAGCAGGAGGAGGAGGAGGAAGAGGTGGAAGAGAAGAAGCCAGACCCCCTGCACCAGTT-3'
Protein context (NP_000531.2, residues 3671-3691): DRMIDDLSKA[Gly3681Glu]EQEEEEEEVE